The following is an entry in ClinVar:

ClinVar aggregate classification (germline): Conflicting classifications of pathogenicity. Review status: criteria provided, conflicting classifications (1 of 4 stars). 6 submissions from 6 submitters: Uncertain significance (4); Likely benign (2). Last evaluated 2025-12-19.

Conditions:
Charcot-Marie-Tooth disease. Also called: Charcot-Marie-Tooth Neuropathy; Charcot-Marie-Tooth Hereditary Neuropathy. Identifiers: Orphanet 166, MedGen C0007959, MONDO:0015626.
Charcot-Marie-Tooth disease type 4. Also called: Charcot-Marie-Tooth disease, type IV; Charcot-Marie-Tooth, Type 4. Identifiers: Orphanet 64749, MedGen C4082197, MONDO:0018995.
SH3TC2-related disorder. Also called: SH3TC2-related disorders; SH3TC2-related condition. Identifiers: MedGen CN239303.

Allele frequency attached by ClinVar (database versions not stated): ExAC 0.00024; 1000 Genomes Project 30x 0.00047; gnomAD 0.00003 and 0.00007; TOPMed 0.00008; gnomAD exomes 0.00019; 1000 Genomes Project 0.00060.
gnomAD v4.1: 368 of 1,614,116 alleles (0.023%); highest among the groups gnomAD compares: East Asian, 0.76%; 4 homozygotes.

Submissions (7):

PreventionGenetics, part of Exact Sciences
Classification: Uncertain significance for SH3TC2-related condition. Last evaluated: 2025-12-19. Review status: criteria provided, single submitter. Criteria: ACMG Guidelines, 2015. Collection method: clinical testing. Allele origin: germline.
Comment: The SH3TC2 c.229C>T variant is predicted to result in the amino acid substitution p.Arg77Trp. This variant has been reported in the homozygous state and compound heterozygous state along with a truncating variant in individuals with Charcot-Marie-Tooth (CMT) disease (Ichikawa et al. 2016. PubMed ID: 27882734; Yuan et al. 2018. PubMed ID: 29321516) and was reported as a variant of uncertain significance in a cohort study of patients with CMT (Table S2, Volodarsky et al. 2020. PubMed ID: 32376792). This variant is reported in 0.24% of alleles in individuals of East Asian descent in gnomAD. At this time, the clinical significance of this variant is uncertain due to the absence of conclusive functional and genetic evidence.

Women's Health and Genetics/Laboratory Corporation of America, LabCorp
Classification: Likely benign. Last evaluated: 2025-12-16. Review status: criteria provided, single submitter. Criteria: LabCorp Variant Classification Summary - May 2015. Collection method: clinical testing. Allele origin: germline.
Comment: Variant summary: SH3TC2 c.229C>T (p.Arg77Trp) results in a non-conservative amino acid change in the encoded protein sequence. Algorithms developed to predict the effect of missense changes on protein structure and function are either unavailable or do not agree on the potential impact of this missense change. The variant allele was found at a frequency of 0.00019 in 251404 control chromosomes, predominantly at a frequency of 0.0025 within the East Asian subpopulation in the gnomAD database. The observed variant frequency within East Asian control individuals in the gnomAD database exceeds the estimated maximal expected allele frequency for disease-causing variants in SH3TC2. To our knowledge, no experimental evidence demonstrating the variant's impact on protein function has been reported. ClinVar contains an entry for this variant (Variation ID: 917276). Based on the evidence outlined above, the variant was classified as likely benign.

Labcorp Genetics (formerly Invitae), Labcorp
Classification: Likely benign for Charcot-Marie-Tooth disease type 4. Last evaluated: 2025-10-02. Review status: criteria provided, single submitter. Criteria: Invitae Variant Classification Sherloc (09022015). Collection method: clinical testing. Allele origin: germline.

Mayo Clinic Laboratories, Mayo Clinic
Classification: Uncertain significance. Last evaluated: 2025-06-24. Review status: criteria provided, single submitter. Criteria: ACMG Guidelines, 2015. Collection method: clinical testing. Allele origin: germline. Observed: 1 variant allele.
Comment: BS1, BS2, PM3

GeneDx
Classification: Uncertain significance. Last evaluated: 2023-07-27. Review status: criteria provided, single submitter. Criteria: GeneDx Variant Classification Process June 2021. Collection method: clinical testing. Allele origin: germline. Affected: yes.
Comment: Observed in a patient with CMT; however, further clinical information is not provided (Volodarsky et al., 2021); In silico analysis supports that this missense variant has a deleterious effect on protein structure/function; This variant is associated with the following publications: (PMID: 27882734, 29321516, 32376792)

Molecular Genetics Laboratory, London Health Sciences Centre
Classification: Uncertain significance for Charcot-Marie-Tooth disease. Review status: criteria provided, single submitter. Criteria: ACMG Guidelines, 2015. Collection method: clinical testing. Allele origin: germline. Affected: yes.

Dr. Peter K. Rogan Lab, Western University
No classification provided (evidence only). Condition: Gastric cancer. Review status: no classification provided. Collection method: in vitro. Allele origin: not applicable. Functional consequence: retained intron. Not counted in ClinVar's aggregate classification.

Literature cited by the submitters: PubMed 27882734 (cited by Mayo Clinic Laboratories, Mayo Clinic); PubMed 29321516 (cited by Mayo Clinic Laboratories, Mayo Clinic); PubMed 32376792 (cited by Mayo Clinic Laboratories, Mayo Clinic); PubMed 34255403 (cited by Mayo Clinic Laboratories, Mayo Clinic).

NM_024577.4(SH3TC2):c.229C>T (p.Arg77Trp)

Gene: SH3TC2 (SH3 domain and tetratricopeptide repeats 2; minus strand). Cytogenetic location: 5q32.
Variant type: single nucleotide variant.
Coding change: c.229C>T on transcript NM_024577.4 (MANE Select); coding-DNA position 229, C replaced by T.
Protein change: p.Arg77Trp; replaces arginine 77 with tryptophan.
Molecular consequence: missense variant.
Genome position (GRCh38, 1-based): chr5:149,047,912, G>A on the plus strand (C>T on the coding strand, the complement: SH3TC2 is on the minus strand). VCF-style: chr5-149047912-G-A. GRCh37 (hg19) VCF-style: chr5-148427475-G-A.
Other names: p.Arg77Trp; short protein forms R77W.
Identifiers: ClinVar variation 917276 (VCV000917276.16), dbSNP rs185149793, ClinGen allele CA3499593.
Genomic context (GRCh38, chr5:149,047,912, plus strand): 5'-TCATGCTCACCTTAAACAGCATGCGCACCTCCTGGTCCTCATTCTCCAGTGCCCAGAGCC[G>A]CCTCCGAGCAGCTTCCTGTAGGGGTCCATTTACACACCTCCTGGAGCGGCTCTTTACACA-3'
Protein context (NP_078853.2, residues 67-87): NGPLQEAARR[Arg77Trp]LWALENEDQE